The following is an entry in ClinVar:

NM_017721.5(CC2D1A):c.49_60+23del

Genes: CC2D1A (coiled-coil and C2 domain containing 1A; plus strand), LOC130063746 (ATAC-STARR-seq lymphoblastoid silent region 10218; plus strand). Cytogenetic location: 19p13.12.
Variant type: Deletion.
Coding change: c.49_60+23del on transcript NM_017721.5 (MANE Select); coding-DNA position 49 through 23 bases into the intron after coding-DNA position 60, 35 bases deleted.
Molecular consequence: splice donor variant.
Genome position (GRCh38, 1-based): chr19:13,906,490-13,906,524, 35 bases deleted; deleting any 35 consecutive bases within chr19:13,906,488-13,906,524 gives the same sequence; the c. name uses the placement nearest the transcript's 3' end. GRCh37 (hg19): chr19:14,017,303-14,017,337.
Other names: c.49_60+23del (NM_001411138.1).
Identifiers: ClinVar variation 2750986 (VCV002750986.3), dbSNP rs2513041740, ClinGen allele CA2697556359.
Genomic context (GRCh38, chr19:13,906,487, plus strand): 5'-CATCCAGCCTTGAAGATGCACAAGAGGAAAGGACCCCCGGGACCCCCGGGCAGAGGCGCC[GCGGCCGCCCGCCAGGTGAGTTTGCGCCCCACGGCC>G]CGACCTGGGGATCCCTCCCCACCCCCGTCACTCGCTCAGGGAAGGGCCCCACCCCCCAGG-3'

ClinVar aggregate classification (germline): Likely pathogenic (1 of 4 stars; one submission).

Submission:

Labcorp Genetics (formerly Invitae), Labcorp
Classification: Likely pathogenic. Last evaluated: 2023-08-07. Review status: criteria provided, single submitter. Criteria: Invitae Variant Classification Sherloc (09022015). Collection method: clinical testing. Allele origin: germline.
Comment: In summary, the currently available evidence indicates that the variant is pathogenic, but additional data are needed to prove that conclusively. Therefore, this variant has been classified as Likely Pathogenic. This variant has not been reported in the literature in individuals affected with CC2D1A-related conditions. This variant is not present in population databases (gnomAD no frequency). This variant results in the deletion of part of exon 1 (c.49_60+23del) of the CC2D1A gene. It is expected to disrupt RNA splicing. Variants that disrupt the donor or acceptor splice site typically lead to a loss of protein function (PMID: 16199547), and loss-of-function variants in CC2D1A are known to be pathogenic (PMID: 16033914).

Literature cited by the submitters: PubMed 16199547; PubMed 16033914.